The following is an entry in ClinVar:

ClinVar aggregate classification (germline): Conflicting classifications of pathogenicity. Review status: criteria provided, conflicting classifications (1 of 4 stars). 5 submissions from 5 submitters: Uncertain significance (1); Likely benign (4). Last evaluated 2026-02-01.

Conditions:
Candidiasis, familial, 9 (CANDF9). Identifiers: Orphanet 1334, MedGen C4225324, MONDO:0014642, OMIM 616445.

Allele frequency attached by ClinVar (database versions not stated): gnomAD exomes 0.00011 and 0.00038; ExAC 0.00040; ESP Exome Variant Server 0.00108; gnomAD 0.00140 and 0.00148; TOPMed 0.00141; 1000 Genomes Project 0.00240; 1000 Genomes Project 30x 0.00250.
gnomAD v4.1: 393 of 1,613,242 alleles (0.024%); highest among the groups gnomAD compares: African/African-American, 0.45%; 3 homozygotes.

Submissions (5):

Labcorp Genetics (formerly Invitae), Labcorp
Classification: Likely benign for Candidiasis, familial, 9. Last evaluated: 2026-02-01. Review status: criteria provided, single submitter. Criteria: Invitae Variant Classification Sherloc (09022015). Collection method: clinical testing. Allele origin: germline.

Ambry Genetics
Classification: Uncertain significance. Last evaluated: 2025-09-29. Review status: criteria provided, single submitter. Criteria: Ambry Variant Classification Scheme 2023. Collection method: clinical testing. Allele origin: germline.

Mayo Clinic Laboratories, Mayo Clinic
Classification: Likely benign. Last evaluated: 2025-07-23. Review status: criteria provided, single submitter. Criteria: ACMG Guidelines, 2015. Collection method: clinical testing. Allele origin: germline. Observed: 1 variant allele.
Comment: BS2, BP4_moderate

Blueprint Genetics
Classification: Likely benign. Last evaluated: 2024-07-01. Review status: criteria provided, single submitter. Criteria: ACMG Guidelines, 2015. Collection method: clinical testing. Allele origin: germline.

Breakthrough Genomics
Classification: Likely benign. Review status: criteria provided, single submitter. Criteria: ACMG Guidelines, 2015. Collection method: not provided. Allele origin: germline. Inheritance: Autosomal recessive inheritance. Affected: yes.

NM_153460.4(IL17RC):c.1994C>T (p.Ala665Val)

Gene: IL17RC (interleukin 17 receptor C; plus strand). Cytogenetic location: 3p25.3.
Variant type: single nucleotide variant.
Coding change: c.1994C>T on transcript NM_153460.4 (MANE Select); coding-DNA position 1994, C replaced by T.
Protein change: p.Ala665Val; replaces alanine 665 with valine.
Molecular consequence: missense variant. On other transcripts: non-coding transcript variant (1).
Genome position (GRCh38, 1-based): chr3:9,933,424, C>T. VCF-style: chr3-9933424-C-T. GRCh37 (hg19) VCF-style: chr3-9975108-C-T.
Other names: p.Ala736Val; c.1955C>T, p.Ala652Val (NM_001203263.2); c.1904C>T, p.Ala635Val (NM_001203264.2); c.1898C>T, p.Ala633Val (NM_001203265.2); c.1916C>T, p.Ala639Val (NM_001367278.1); c.1835C>T, p.Ala612Val (NM_001367279.1); c.1910C>T, p.Ala637Val (NM_001367280.1); c.1949C>T, p.Ala650Val (NM_032732.6); and 1 more; short protein forms A736V, A665V, A635V, A612V, A650V, A652V, A633V, A639V.
Identifiers: ClinVar variation 475926 (VCV000475926.15), dbSNP rs140918692, ClinGen allele CA2247459.